The following is an entry in ClinVar:

ClinVar aggregate classification (germline): Uncertain significance (1 of 4 stars; one submission).

Conditions:
Aldosterone-producing adenoma with seizures and neurological abnormalities. Also called: Primary aldosteronism, seizures, and neurologic abnormalities. Identifiers: Orphanet 369929, MedGen C3809609, MONDO:0014200, OMIM 615474.

gnomAD v4.1: 2 of 1,614,064 alleles (0.00012%); highest among the groups gnomAD compares: South Asian, 0.0022%; no homozygotes.

Submission:

Neuberg Centre For Genomic Medicine, NCGM
Classification: Uncertain significance for Aldosterone-producing adenoma with seizures and neurological abnormalities. Last evaluated: 2023-05-20. Review status: criteria provided, single submitter. Criteria: ACMG Guidelines, 2015. Collection method: clinical testing. Allele origin: germline. Inheritance: Autosomal dominant inheritance. Affected: yes.
Comment: The observed missense c.6313A>G(p.Thr2105Ala) variant in CACNA1D gene has not been reported previously as a pathogenic variant nor a benign variant, to our knowledge. The p.Thr2105Ala variant has been reported with allele frequency of 0.0004% in gnomAD Exomes. This variant has not been submitted to the ClinVar database. Multiple lines of computational evidences (Polyphen - Benign, SIFT - Damaging and MutationTaster - Disease causing) predict conflicting evidence on protein structure and function for this variant. The reference amino acid is predicted as conserved by GERP++ and PhyloP across 100 vertebrates. The amino acid Thr at position 2105 is changed to a Ala changing protein sequence and it might alter its composition and physico-chemical properties. For these reasons, this variant has been classified as a Variant of Uncertain Significance (VUS).

NM_001128840.3(CACNA1D):c.6313A>G (p.Thr2105Ala)

Gene: CACNA1D (calcium voltage-gated channel subunit alpha1 D; plus strand). Cytogenetic location: 3p21.1.
Variant type: single nucleotide variant.
Coding change: c.6313A>G on transcript NM_001128840.3 (MANE Select); coding-DNA position 6313, A replaced by G.
Protein change: p.Thr2105Ala; replaces threonine 2105 with alanine.
Molecular consequence: missense variant.
Genome position (GRCh38, 1-based): chr3:53,811,233, A>G. VCF-style: chr3-53811233-A-G. GRCh37 (hg19) VCF-style: chr3-53845260-A-G.
Other names: c.6373A>G, p.Thr2125Ala (NM_000720.4); c.6241A>G, p.Thr2081Ala (NM_001128839.3); short protein forms T2081A, T2105A, T2125A.
Identifiers: ClinVar variation 3367104 (VCV003367104.1).